The following is an entry in ClinVar:

ClinVar aggregate classification (germline): Uncertain significance (1 of 4 stars; one submission).

Allele frequency attached by ClinVar (database versions not stated): TOPMed below 0.00001.
gnomAD v4.1: 2 of 1,613,210 alleles (0.00012%); no homozygotes.

Submission:

Labcorp Genetics (formerly Invitae), Labcorp
Classification: Uncertain significance. Last evaluated: 2024-10-24. Review status: criteria provided, single submitter. Criteria: Invitae Variant Classification Sherloc (09022015). Collection method: clinical testing. Allele origin: germline.
Comment: This sequence change replaces asparagine, which is neutral and polar, with threonine, which is neutral and polar, at codon 107 of the NARS2 protein (p.Asn107Thr). This variant is not present in population databases (gnomAD no frequency). This variant has not been reported in the literature in individuals affected with NARS2-related conditions. ClinVar contains an entry for this variant (Variation ID: 1948782). Invitae Evidence Modeling of protein sequence and biophysical properties (such as structural, functional, and spatial information, amino acid conservation, physicochemical variation, residue mobility, and thermodynamic stability) indicates that this missense variant is not expected to disrupt NARS2 protein function with a negative predictive value of 80%. In summary, the available evidence is currently insufficient to determine the role of this variant in disease. Therefore, it has been classified as a Variant of Uncertain Significance.

NM_024678.6(NARS2):c.320A>C (p.Asn107Thr)

Gene: NARS2 (asparaginyl-tRNA synthetase 2, mitochondrial; minus strand). Cytogenetic location: 11q14.1.
Variant type: single nucleotide variant.
Coding change: c.320A>C on transcript NM_024678.6 (MANE Select); coding-DNA position 320, A replaced by C.
Protein change: p.Asn107Thr; replaces asparagine 107 with threonine.
Molecular consequence: missense variant. On other transcripts: 5 prime UTR variant (1).
Genome position (GRCh38, 1-based): chr11:78,568,684, T>G on the plus strand (A>C on the coding strand, the complement: NARS2 is on the minus strand). VCF-style: chr11-78568684-T-G. GRCh37 (hg19) VCF-style: chr11-78279730-T-G.
Other names: c.-362A>C (NM_001243251.2); short protein forms N107T.
Identifiers: ClinVar variation 1948782 (VCV001948782.5), dbSNP rs1407962947, ClinGen allele CA382180213.